The following is an entry in ClinVar:

ClinVar aggregate classification (germline): Conflicting classifications of pathogenicity. Review status: criteria provided, conflicting classifications (1 of 4 stars). 9 submissions from 9 submitters: Uncertain significance (8); Likely benign (1). Last evaluated 2026-06-17.

Conditions:
FLNC-related disorder. Also called: FLNC-related condition; FLNC-related disorders.
Hypertrophic cardiomyopathy 26. Also called: Cardiomyopathy, familial hypertrophic, 26. Identifiers: Orphanet 75249, MedGen C4310749, MONDO:0014883, OMIM 617047.
Distal myopathy with posterior leg and anterior hand involvement. Also called: WILLIAMS DISTAL MYOPATHY. Identifiers: Orphanet 63273, MedGen C3279722, MONDO:0013550, OMIM 614065.
Myofibrillar myopathy 5. Also called: Filaminopathy (type); FILAMINOPATHY, AUTOSOMAL DOMINANT. Identifiers: Orphanet 171445, MedGen C1836050, MONDO:0012289, OMIM 609524.
Cardiovascular phenotype. Identifiers: MedGen CN230736.

Allele frequency attached by ClinVar (database versions not stated): gnomAD 0.00001; TOPMed 0.00002; ExAC 0.00005.
gnomAD v4.1: 40 of 1,603,110 alleles (0.0025%); highest among the groups gnomAD compares: Middle Eastern, 0.017%; no homozygotes.

Submissions (9):

Women's Health and Genetics/Laboratory Corporation of America, LabCorp
Classification: Uncertain significance. Last evaluated: 2026-06-17. Review status: criteria provided, single submitter. Criteria: LabCorp Variant Classification Summary - May 2015. Collection method: clinical testing. Allele origin: germline.
Comment: Variant summary: FLNC c.4576C>T (p.Arg1526Cys) results in a non-conservative amino acid change in the encoded protein sequence. Algorithms developed to predict the effect of missense changes on protein structure and function are either unavailable or do not agree on the potential impact of this missense change. The variant allele was found at a frequency of 2.2e-05 in 226838 control chromosomes. The available data on variant occurrences in the general population are insufficient to allow any conclusion about variant significance. To our knowledge, no occurrence of c.4576C>T in individuals affected with FLNC-related conditions and no experimental evidence demonstrating its impact on protein function have been reported. ClinVar contains an entry for this variant (Variation ID: 290237). Based on the evidence outlined above, the variant was classified as uncertain significance.

PreventionGenetics, part of Exact Sciences
Classification: Uncertain significance for FLNC-related condition. Last evaluated: 2026-02-26. Review status: criteria provided, single submitter. Criteria: ACMG Guidelines, 2015. Collection method: clinical testing. Allele origin: germline.
Comment: The FLNC c.4576C>T variant is predicted to result in the amino acid substitution p.Arg1526Cys. To our knowledge, this variant has not been reported in the literature. This variant is reported in 0.0070% of alleles in individuals of South Asian descent in gnomAD. At this time, the clinical significance of this variant is uncertain due to the absence of conclusive functional and genetic evidence.

GeneDx
Classification: Uncertain significance. Last evaluated: 2025-12-11. Review status: criteria provided, single submitter. Criteria: GeneDx Variant Classification Process June 2021. Collection method: clinical testing. Allele origin: germline.
Comment: Has not been previously published as pathogenic or benign to our knowledge; In silico analysis supports that this missense variant has a deleterious effect on protein structure/function

Labcorp Genetics (formerly Invitae), Labcorp
Classification: Uncertain significance for Distal myopathy with posterior leg and anterior hand involvement; Myofibrillar myopathy 5; Hypertrophic cardiomyopathy 26. Last evaluated: 2025-09-02. Review status: criteria provided, single submitter. Criteria: Invitae Variant Classification Sherloc (09022015). Collection method: clinical testing. Allele origin: germline.
Comment: This sequence change replaces arginine, which is basic and polar, with cysteine, which is neutral and slightly polar, at codon 1526 of the FLNC protein (p.Arg1526Cys). The frequency data for this variant in the population databases is considered unreliable, as metrics indicate poor data quality at this position in the gnomAD database. This variant has not been reported in the literature in individuals affected with FLNC-related conditions. ClinVar contains an entry for this variant (Variation ID: 290237). Invitae Evidence Modeling of protein sequence and biophysical properties (such as structural, functional, and spatial information, amino acid conservation, physicochemical variation, residue mobility, and thermodynamic stability) has been performed for this missense variant. However, the output from this modeling did not meet the statistical confidence thresholds required to predict the impact of this variant on FLNC protein function. In summary, the available evidence is currently insufficient to determine the role of this variant in disease. Therefore, it has been classified as a Variant of Uncertain Significance.

Blueprint Genetics
Classification: Likely benign. Last evaluated: 2024-08-15. Review status: criteria provided, single submitter. Criteria: ACMG Guidelines, 2015. Collection method: clinical testing. Allele origin: germline.

Ambry Genetics
Classification: Uncertain significance for Cardiovascular phenotype. Last evaluated: 2024-06-27. Review status: criteria provided, single submitter. Criteria: Ambry Variant Classification Scheme 2023. Collection method: clinical testing. Allele origin: germline.
Comment: The p.R1526C variant (also known as c.4576C>T), located in coding exon 26 of the FLNC gene, results from a C to T substitution at nucleotide position 4576. The arginine at codon 1526 is replaced by cysteine, an amino acid with highly dissimilar properties. This amino acid position is well conserved in available vertebrate species. In addition, this alteration is predicted to be tolerated by in silico analysis. Based on the available evidence, the clinical significance of this variant remains unclear.

Phosphorus, Inc.
Classification: Uncertain significance. Last evaluated: 2022-01-18. Review status: criteria provided, single submitter. Criteria: ACMG Guidelines, 2015. Collection method: clinical testing. Allele origin: germline. Inheritance: Autosomal dominant inheritance.
Comment: This missense variant results in an amino acid substitution of Arginine with Cysteine at codon 1526 of the FLNC gene (transcript: NM_001458.4). This variant has an entry in ClinVar (290237) NM_001458.5(FLNC):c.4576C>T (p.Arg1526Cys). This variant occurred in gnomAD with a total MAF of 0 0.0022% and with the highest MAF of 0.0070% in the South Asian population. This position is conserved. In silico functional algorithms predict this variant to be benign (PolyPhen) and tolerated (SIFT). However, no functional studies were performed to confirm either of those predictions. The variant has not occurred in the literature in association with the disease. Considering that this is a rare variant and the available evidence is not enough to ascertain its role in disease, it has been classified as Variant of Uncertain Significance.

Revvity Omics, Revvity
Classification: Uncertain significance. Last evaluated: 2019-10-27. Review status: criteria provided, single submitter. Criteria: ACMG Guidelines, 2015. Collection method: clinical testing. Allele origin: germline.

Eurofins Ntd Llc (ga)
Classification: Uncertain significance. Last evaluated: 2016-08-15. Review status: criteria provided, single submitter. Criteria: EGL Classification Definitions 2015. Collection method: clinical testing. Allele origin: germline. Observed: 1 variant allele, 1 heterozygote.

NM_001458.5(FLNC):c.4576C>T (p.Arg1526Cys)

Gene: FLNC (filamin C; plus strand). Cytogenetic location: 7q32.1.
Variant type: single nucleotide variant.
Coding change: c.4576C>T on transcript NM_001458.5 (MANE Select); coding-DNA position 4576, C replaced by T.
Protein change: p.Arg1526Cys; replaces arginine 1526 with cysteine.
Molecular consequence: missense variant.
Genome position (GRCh38, 1-based): chr7:128,848,064, C>T. VCF-style: chr7-128848064-C-T. GRCh37 (hg19) VCF-style: chr7-128488118-C-T.
Other names: c.4576C>T, p.Arg1526Cys (NM_001127487.2); short protein forms R1526C.
Identifiers: ClinVar variation 290237 (VCV000290237.22), dbSNP rs746275035, ClinGen allele CA4475378.